The following is an entry in ClinVar:

ClinVar aggregate classification (germline): Uncertain significance. Review status: criteria provided, single submitter (1 of 4 stars). 2 submissions from 2 submitters: Uncertain significance (1). 1 of the submissions does not count toward it. Last evaluated 2022-08-16.

Conditions:
ALG6-congenital disorder of glycosylation 1C (CDG1C). Also called: CARBOHYDRATE-DEFICIENT GLYCOPROTEIN SYNDROME, TYPE I, WITH DEFICIENT GLYCOSYLATION OF DOLICHOL-LINKED OLIGOSACCHARIDE; CARBOHYDRATE-DEFICIENT GLYCOPROTEIN SYNDROME, TYPE V; Congenital disorder of glycosylation type 1C; Congenital disorder of glycosylation, type Ic; CDG Ic. Identifiers: Orphanet 79320, MedGen C2930997, MONDO:0011291, OMIM 603147.

Allele frequency attached by ClinVar (database versions not stated): gnomAD exomes 0.00002 and 0.00004; ExAC 0.00003; gnomAD 0.00009 and 0.00012; TOPMed 0.00012; ESP Exome Variant Server 0.00031.
gnomAD v4.1: 49 of 1,613,636 alleles (0.003%); highest among the groups gnomAD compares: African/African-American, 0.053%; no homozygotes.

Submissions (2):

Labcorp Genetics (formerly Invitae), Labcorp
Classification: Uncertain significance for ALG6-congenital disorder of glycosylation 1C. Last evaluated: 2022-08-16. Review status: criteria provided, single submitter. Criteria: Invitae Variant Classification Sherloc (09022015). Collection method: clinical testing. Allele origin: germline.
Comment: This sequence change replaces threonine, which is neutral and polar, with methionine, which is neutral and non-polar, at codon 454 of the ALG6 protein (p.Thr454Met). This variant is present in population databases (rs138890428, gnomAD 0.04%). This variant has not been reported in the literature in individuals affected with ALG6-related conditions. ClinVar contains an entry for this variant (Variation ID: 990164). Algorithms developed to predict the effect of missense changes on protein structure and function are either unavailable or do not agree on the potential impact of this missense change (SIFT: "Tolerated"; PolyPhen-2: "Possibly Damaging"; Align-GVGD: "Class C0"). In summary, the available evidence is currently insufficient to determine the role of this variant in disease. Therefore, it has been classified as a Variant of Uncertain Significance.

Natera, Inc.
Classification: Uncertain significance for Congenital disorder of glycosylation type 1c. Last evaluated: 2020-05-10. Review status: no assertion criteria provided. Collection method: clinical testing. Allele origin: germline. Not counted in ClinVar's aggregate classification.

NM_013339.4(ALG6):c.1361C>T (p.Thr454Met)

Gene: ALG6 (ALG6 alpha-1,3-glucosyltransferase; plus strand). Cytogenetic location: 1p31.3.
Variant type: single nucleotide variant.
Coding change: c.1361C>T on transcript NM_013339.4 (MANE Select); coding-DNA position 1361, C replaced by T.
Protein change: p.Thr454Met; replaces threonine 454 with methionine.
Molecular consequence: missense variant.
Genome position (GRCh38, 1-based): chr1:63,436,857, C>T. VCF-style: chr1-63436857-C-T. GRCh37 (hg19) VCF-style: chr1-63902528-C-T.
Other names: short protein forms T454M.
Identifiers: ClinVar variation 990164 (VCV000990164.4), dbSNP rs138890428, ClinGen allele CA888437.
Genomic context (GRCh38, chr1:63,436,857, plus strand): 5'-CTCAGTAATCCTTTTTTTCCTTGCAGTTTCTTATCTCAGTCATCACTATGGTGCTTCTGA[C>T]GTTGATGACTGTCACACTGGATCCTCCTCAGAAACTACCGGACTTGTTTTCTGTATTGGT-3'
Protein context (NP_037471.2, residues 444-464): LISVITMVLL[Thr454Met]LMTVTLDPPQ